The following is an entry in ClinVar:

ClinVar aggregate classification (germline): Conflicting classifications of pathogenicity. Review status: criteria provided, conflicting classifications (1 of 4 stars). 5 submissions from 5 submitters: Uncertain significance (4); Likely benign (1). Last evaluated 2025-08-25.

Conditions:
Hereditary breast ovarian cancer syndrome. Also called: Breast and ovarian cancer; Hereditary breast and/or ovarian cancer syndrome; BRCA1- and BRCA2-Associated Hereditary Breast and Ovarian Cancer; Hereditary breast and ovarian cancer syndrome; Hereditary breast and ovarian cancer syndrome (HBOC); Hereditary breast and ovarian cancer. Identifiers: Orphanet 145, MedGen C0677776, MeSH D061325, MONDO:0003582. Disease mechanism: loss of function.
Breast-ovarian cancer, familial, susceptibility to, 1 (BROVCA1). Also called: BRCA1 Hereditary Breast and Ovarian Cancer; OVARIAN CANCER, SUSCEPTIBILITY TO. Identifiers: Orphanet 145, MedGen C2676676, MONDO:0011450, OMIM 604370. Disease mechanism: loss of function.
Hereditary cancer-predisposing syndrome. Also called: Tumor predisposition; Hereditary Cancer Syndrome; Hereditary neoplastic syndrome; Neoplastic Syndromes, Hereditary. Identifiers: Orphanet 140162, MedGen C0027672, MeSH D009386, MONDO:0015356.

Allele frequency attached by ClinVar (database versions not stated): gnomAD exomes below 0.00001.
gnomAD v4.1: 1 of 1,610,892 alleles (0.000062%); highest among the groups gnomAD compares: Non-Finnish European, 0.000085%; no homozygotes.

Submissions (5):

Labcorp Genetics (formerly Invitae), Labcorp
Classification: Uncertain significance for Hereditary breast ovarian cancer syndrome. Last evaluated: 2025-08-25. Review status: criteria provided, single submitter. Criteria: Invitae Variant Classification Sherloc (09022015). Collection method: clinical testing. Allele origin: germline.
Comment: This sequence change replaces valine, which is neutral and non-polar, with methionine, which is neutral and non-polar, at codon 199 of the BRCA1 protein (p.Val199Met). This variant is not present in population databases (gnomAD no frequency). This variant has not been reported in the literature in individuals affected with BRCA1-related conditions. ClinVar contains an entry for this variant (Variation ID: 481435). An algorithm developed to predict the effect of missense changes on protein structure and function outputs the following: PolyPhen-2: "Benign". The methionine amino acid residue is found in multiple mammalian species, which suggests that this missense change does not adversely affect protein function. Experimental studies have shown that this missense change does not substantially affect BRCA1 function (PMID: 32546644). RNA analysis performed to evaluate the impact of this missense change on mRNA splicing indicates it does not significantly alter splicing (internal data). In summary, the available evidence is currently insufficient to determine the role of this variant in disease. Therefore, it has been classified as a Variant of Uncertain Significance.

Ambry Genetics
Classification: Uncertain significance for Hereditary cancer-predisposing syndrome. Last evaluated: 2025-03-19. Review status: criteria provided, single submitter. Criteria: Ambry Variant Classification Scheme 2023. Collection method: clinical testing. Allele origin: germline.
Comment: The p.V199M variant (also known as c.595G>A), located in coding exon 8 of the BRCA1 gene, results from a G to A substitution at nucleotide position 595. The valine at codon 199 is replaced by methionine, an amino acid with highly similar properties. This amino acid position is not well conserved in available vertebrate species. In addition, the in silico prediction for this alteration is inconclusive. Since supporting evidence is limited at this time, the clinical significance of this alteration remains unclear.

Women's Health and Genetics/Laboratory Corporation of America, LabCorp
Classification: Likely benign. Last evaluated: 2024-02-14. Review status: criteria provided, single submitter. Criteria: LabCorp Variant Classification Summary - May 2015. Collection method: clinical testing. Allele origin: germline.
Comment: Variant summary: BRCA1 c.595G>A (p.Val199Met) results in a conservative amino acid change in the encoded protein sequence. Three of four in-silico tools predict a benign effect of the variant on protein function. The variant alters a nucleotide in the exonic splice region in Exon 9. Consensus agreement among computation tools predict no significant impact on normal splicing. However, these predictions have yet to be confirmed by functional studies. The variant was absent in 249902 control chromosomes. The available data on variant occurrences in the general population are insufficient to allow any conclusion about variant significance. To our knowledge, no occurrence of c.595G>A in individuals affected with Hereditary Breast And Ovarian Cancer Syndrome has been reported. At least one publication reports experimental evidence evaluating an impact on protein function (Bouwman_2020). These results showed no damaging effect of this variant in its ability to complement Brca1-deficient mouse embryonic stem cells in homologous recombination DNA repair (HRR), using cisplatin and olaparib sensitivity assays and a direct repeat GFP (DR-GFP) HRR assay. HDR assays qualify as a recognized gold standard on the basis of updated guidance provided by the ClinGen Sequence Variant Interpretation (SVI) working group. This working group has recommended strong functional evidence (ACMG BS3) as sufficient weightage for categorization as likely benign (Tavtigian_2018). The following publication have been ascertained in the context of this evaluation (PMID: 32546644). ClinVar contains an entry for this variant (Variation ID: 481435). Based on the evidence outlined above, the variant was classified as likely benign.

Baylor Genetics
Classification: Uncertain significance for Breast-ovarian cancer, familial, susceptibility to, 1. Last evaluated: 2023-12-30. Review status: criteria provided, single submitter. Criteria: ACMG Guidelines, 2015. Collection method: clinical testing. Allele origin: unknown.

GeneDx
Classification: Uncertain significance. Last evaluated: 2021-07-02. Review status: criteria provided, single submitter. Criteria: GeneDx Variant Classification Process June 2021. Collection method: clinical testing. Allele origin: germline. Affected: yes.
Comment: Not observed at significant frequency in large population cohorts (Lek 2016); In silico analysis supports that this missense variant does not alter protein structure/function; Observed in individuals with breast cancer (Borg 2010); Also known as 714G>A; This variant is associated with the following publications: (PMID: 20104584, 27535533)

Literature cited by the submitters: PubMed 32546644 (cited by Labcorp Genetics (formerly Invitae), Labcorp and Women's Health and Genetics/Laboratory Corporation of America, LabCorp).

NM_007294.4(BRCA1):c.595G>A (p.Val199Met)

Gene: BRCA1 (BRCA1 DNA repair associated; minus strand). Cytogenetic location: 17q21.31.
Variant type: single nucleotide variant.
Coding change: c.595G>A on transcript NM_007294.4 (MANE Select); coding-DNA position 595, G replaced by A.
Protein change: p.Val199Met; replaces valine 199 with methionine.
Molecular consequence: missense variant. On other transcripts: non-coding transcript variant (1).
Genome position (GRCh38, 1-based): chr17:43,095,921, C>T on the plus strand (G>A on the coding strand, the complement: BRCA1 is on the minus strand). VCF-style: chr17-43095921-C-T. GRCh37 (hg19) VCF-style: chr17-41247938-C-T.
Other names: c.595G>A, p.Val199Met (NM_007300.4, NM_007304.2, NM_001407581.1 and 59 more transcripts); c.382G>A, p.Val128Met (NM_001407571.1, NM_001407853.1, NM_001407894.1 and 12 more transcripts); c.592G>A, p.Val198Met (NM_001407587.1, NM_001407590.1, NM_001407591.1 and 41 more transcripts); c.586G>A, p.Val196Met (NM_001407646.1, NM_001407647.1, NM_001408408.1); c.517G>A, p.Val173Met (NM_001407653.1, NM_001407654.1, NM_001407655.1 and 9 more transcripts); c.514G>A, p.Val172Met (NM_001407659.1, NM_001407660.1, NM_001407661.1 and 3 more transcripts); c.454G>A, p.Val152Met (NM_001407692.1, NM_001407694.1, NM_001407695.1 and 43 more transcripts); c.451G>A, p.Val151Met (NM_001407740.1, NM_001407741.1, NM_001407742.1 and 26 more transcripts); and 4 more; short protein forms V199M, V152M, V196M, V198M, V129M, V154M, V71M, V128M.
Identifiers: ClinVar variation 481435 (VCV000481435.16), dbSNP rs1555593622, ClinGen allele CA10600919.